The following is an entry in ClinVar:

ClinVar aggregate classification (germline): Likely benign. Review status: criteria provided, multiple submitters, no conflicts (2 of 4 stars). 3 submissions from 3 submitters: Likely benign (3). Last evaluated 2026-09-16.

Conditions:
COL4A1-related disorder. Also called: COL4A1-related disorders; COL4A1-related condition. Identifiers: MedGen CN376119, MONDO:0800461.
Autosomal dominant familial hematuria-retinal arteriolar tortuosity-contractures syndrome. Also called: Angiopathy, hereditary, with nephropathy, aneurysms, and muscle cramps; Hereditary Angiopathy with Nephropathy, Aneurysms, and Muscle Cramps (HANAC) Syndrome. Identifiers: Orphanet 73229, MedGen C2673195, MONDO:0012726, OMIM 611773.
Microangiopathy and leukoencephalopathy, pontine, autosomal dominant. Also called: DEMENTIA, HEREDITARY MULTI-INFARCT, SWEDISH TYPE; Pontine autosomal dominant microangiopathy with leukoencephalopathy. Identifiers: Orphanet 477749, MedGen C5231411, MONDO:0032814, OMIM 618564.
Brain small vessel disease 1 with or without ocular anomalies (BSVD1). Also called: Brain small vessel disease with or without ocular anomalies; BRAIN SMALL VESSEL DISEASE WITH HEMORRHAGE; GOULD SYNDROME 1; PORENCEPHALY, TYPE 1, AUTOSOMAL DOMINANT. Identifiers: Orphanet 2940, Orphanet 36383, Orphanet 99810, MedGen C4755307, MONDO:0008289, OMIM 175780.
Hemorrhage, intracerebral, susceptibility to (ICH). Also called: Stroke, hemorrhagic, susceptibility to. Identifiers: MedGen C3281105, MONDO:0100533, OMIM 614519.
Retinal arterial tortuosity. Also called: Retinal arteries, tortuosity of; RETINAL HEMORRHAGE WITH VASCULAR TORTUOSITY. Identifiers: Orphanet 75326, MedGen C0423401, MONDO:0008373, OMIM 180000, HP:0000631.

Allele frequency attached by ClinVar (database versions not stated): gnomAD exomes 0.00001 and 0.00002; ExAC 0.00003; gnomAD 0.00006; ESP Exome Variant Server 0.00008; TOPMed 0.00010.
gnomAD v4.1: 21 of 1,613,632 alleles (0.0013%); highest among the groups gnomAD compares: African/African-American, 0.025%; no homozygotes.

Submissions (3):

PreventionGenetics, part of Exact Sciences
Classification: Likely benign for COL4A1-related condition. Last evaluated: 2026-09-16. Review status: criteria provided, single submitter. Criteria: ACMG Guidelines, 2015. Collection method: clinical testing. Allele origin: germline.
Comment: This variant is classified as likely benign based on ACMG/AMP sequence variant interpretation guidelines (Richards et al. 2015 PMID: 25741868, with internal and published modifications).

Labcorp Genetics (formerly Invitae), Labcorp
Classification: Likely benign. Last evaluated: 2025-12-30. Review status: criteria provided, single submitter. Criteria: Invitae Variant Classification Sherloc (09022015). Collection method: clinical testing. Allele origin: germline.

Fulgent Genetics
Classification: Likely benign for Brain small vessel disease 1 with or without ocular anomalies; Retinal arterial tortuosity; Autosomal dominant familial hematuria-retinal arteriolar tortuosity-contractures syndrome; Hemorrhage, intracerebral, susceptibility to; Microangiopathy and leukoencephalopathy, pontine, autosomal dominant. Last evaluated: 2021-08-20. Review status: criteria provided, single submitter. Criteria: ACMG Guidelines, 2015. Collection method: clinical testing. Allele origin: unknown.

NM_001845.6(COL4A1):c.1929T>C (p.Pro643=)

Gene: COL4A1 (collagen type IV alpha 1 chain; minus strand). Cytogenetic location: 13q34.
Variant type: single nucleotide variant.
Coding change: c.1929T>C on transcript NM_001845.6 (MANE Select); coding-DNA position 1929, T replaced by C.
Protein change: p.Pro643=; no amino-acid change (proline 643 retained).
Molecular consequence: synonymous variant.
Genome position (GRCh38, 1-based): chr13:110,183,245, A>G on the plus strand (T>C on the coding strand, the complement: COL4A1 is on the minus strand). VCF-style: chr13-110183245-A-G. GRCh37 (hg19) VCF-style: chr13-110835592-A-G.
Other names: c.1929T>C (NM_001845.5).
Identifiers: ClinVar variation 1588740 (VCV001588740.10), dbSNP rs142883141, ClinGen allele CA7047777.